The following is an entry in ClinVar:

NM_001267550.2(TTN):c.38737G>T (p.Glu12913Ter)

Gene: TTN (titin; minus strand). Cytogenetic location: 2q31.2.
Variant type: single nucleotide variant.
Coding change: c.38737G>T on transcript NM_001267550.2 (MANE Select); coding-DNA position 38737, G replaced by T.
Protein change: p.Glu12913Ter; replaces glutamic acid 12913 with a stop codon.
Molecular consequence: nonsense. On other transcripts: intron variant (5).
Genome position (GRCh38, 1-based): chr2:178,653,292, C>A on the plus strand (G>T on the coding strand, the complement: TTN is on the minus strand). VCF-style: chr2-178653292-C-A. GRCh37 (hg19) VCF-style: chr2-179518019-C-A.
Other names: c.13283-10975G>T (NM_003319.4); c.13859-10975G>T (NM_133437.4); c.13658-10975G>T (NM_133432.3); c.31742-751G>T (NM_133378.4); c.34523-751G>T (NM_001256850.1); short protein forms E12913*.
Identifiers: ClinVar variation 617586 (VCV000617586.11), dbSNP rs767120669, ClinGen allele CA1997071.

ClinVar aggregate classification (germline): Pathogenic/Likely pathogenic. Review status: criteria provided, multiple submitters, no conflicts (2 of 4 stars). 7 submissions from 7 submitters: Pathogenic (4); Likely pathogenic (2). 1 of the submissions does not count toward it. Last evaluated 2025-11-19.

Conditions:
TTN-related disorder. Also called: TTN-related condition; TTN-related disease; TTN-related disorders.
Cardiovascular phenotype. Identifiers: MedGen CN230736.
Autosomal recessive limb-girdle muscular dystrophy type 2J (LGMDR10). Also called: Limb-girdle muscular dystrophy, type 2J; MUSCULAR DYSTROPHY, LIMB-GIRDLE, AUTOSOMAL RECESSIVE 10. Identifiers: Orphanet 140922, MedGen C1837342, MONDO:0012127, OMIM 608807.

Allele frequency attached by ClinVar (database versions not stated): gnomAD exomes 0.00001; gnomAD 0.00001; ExAC 0.00001.
gnomAD v4.1: 6 of 1,612,238 alleles (0.00037%); highest among the groups gnomAD compares: Admixed American, 0.005%; no homozygotes.

Submissions (7):

Dasa
Classification: Pathogenic. Last evaluated: 2025-11-19. Review status: criteria provided, single submitter. Criteria: DASA Assertion Criteria. Collection method: clinical testing. Allele origin: germline.
Comment: NM_001267550.2(TTN):c.38737G>T (p.Glu12913*) introduces a premature termination codon predicted to result in loss of normal protein function. Loss-of-function is an established mechanism of disease for this gene. This variant has been observed in affected individuals with related phenotype in a genotype context consistent with recessive disease (PMID: 40443119; PMID: 39684706; PMID: 39198997). This variant has been recurrently observed in individuals with related phenotype (PMID: 40443119; PMID: 39684706; PMID: 39198997). The variant is present at low frequency in population datasets. Based on the available data, this variant is classified as pathogenic.

Ambry Genetics
Classification: Pathogenic for Cardiovascular phenotype. Last evaluated: 2025-04-17. Review status: criteria provided, single submitter. Criteria: Ambry Variant Classification Scheme 2023. Collection method: clinical testing. Allele origin: germline.
Comment: The c.38737G>T (p.E12913*) alteration, located in exon 198 (coding exon 197) of the TTN gene, consists of a G to T substitution at nucleotide position 38737. This changes the amino acid from a glutamic acid (E) to a stop codon at amino acid position 12913. This alteration is expected to result in loss of function by premature protein truncation or nonsense-mediated mRNA decay. ; however, its clinical significance for autosomal dominant TTN-related dilated cardiomyopathy is uncertain. Based on data from gnomAD, the T allele has an overall frequency of 0.001% (2/246934) total alleles studied. The highest observed frequency was 0.003% (1/34390) of Latino alleles. This variant has been identified in the homozygous state and/or in conjunction with other TTN variant(s) in individual(s) with features consistent with TTN-related myopathy; in at least one instance, the variants were identified in trans (Di Feo, 2024; Perrin, 2024; Thorpe, 2024). This exon is not constitutively expressed in TTN transcripts (percent spliced in or PSI <90%) or present in the primary skeletal N2-A or cardiac N2-B isoforms of the titin protein. However, this exon is shown to be expressed in fetal skeletal muscle and may have low expression in adult skeletal muscle (Di Feo, 2024). Based on the available evidence, this alteration is classified as pathogenic.

Greenwood Genetic Center Diagnostic Laboratories, Greenwood Genetic Center
Classification: Pathogenic for TTN-related disorder. Last evaluated: 2024-10-30. Review status: criteria provided, single submitter. Criteria: ACMG Guidelines, 2015. Collection method: clinical testing. Allele origin: germline. Affected: yes.
Comment: PVS1, PM2, PM3

GeneDx
Classification: Likely pathogenic. Last evaluated: 2022-06-13. Review status: criteria provided, single submitter. Criteria: GeneDx Variant Classification Process June 2021. Collection method: clinical testing. Allele origin: germline. Affected: yes.
Comment: Previously reported in the heterozygous state in an individual with congenital myopathy; however, parental studies were not reported (Gonzalaz-Queraded et al., 2020); Nonsense variant predicted to result in protein truncation or nonsense mediated decay in a gene for which loss-of-function is a known mechanism of disease; Not observed at significant frequency in large population cohorts (gnomAD); Located in a region of TTN within the I-band in which the majority of loss of function variants are significantly associated with autosomal dominant titinopathies (Deo et al., 2016; Schafer et al., 2017); This variant is associated with the following publications: (PMID: 32403337, 23975875)

Illumina Laboratory Services, Illumina
Classification: Pathogenic for TTN-Related Disorders. Last evaluated: 2019-03-20. Review status: criteria provided, single submitter. Criteria: ICSLVariantClassificationCriteria RUGD 01 April 2020. Collection method: clinical testing. Allele origin: unknown.
Comment: The TTN c.38737G>T (p.Glu12913Ter) variant is a stop-gained variant that is predicted to result in a premature termination of the protein. A literature search was performed for the gene, cDNA change, and amino acid change. No publications were found based on this search. The variant is reported at a frequency of 0.000029 in the Latino population of the Genome Aggregation Database though this is based on one allele in a region of good sequencing coverage so the variant is presumed to be rare. This genomic position is predicted to be present in both cardiac and muscle isoforms. Based on the truncating nature of the variant, its rarity, and identification in trans with a pathogenic variant, the p.Glu12913Ter variant is classified as pathogenic for TTN-related disorders.

NeuroMeGen, Hospital Clinico Santiago de Compostela
Classification: Likely pathogenic for Autosomal recessive limb-girdle muscular dystrophy type 2J. Last evaluated: 2018-10-08. Review status: criteria provided, single submitter. Criteria: ACMG Guidelines, 2015. Collection method: clinical testing. Allele origin: unknown. Affected: yes. Observed: 1 heterozygote.

PreventionGenetics, part of Exact Sciences
Classification: Likely pathogenic for TTN-related condition. Last evaluated: 2023-12-02. Review status: no assertion criteria provided. Collection method: clinical testing. Allele origin: germline. Not counted in ClinVar's aggregate classification.
Comment: The TTN c.38737G>T variant is predicted to result in premature protein termination (p.Glu12913*). This variant has been reported in the heterozygous state in an individual with congenital hypertonia and cardiomyopathy and a second TTN variant was not identified (Supplemental Table, Gonzalez-Quereda L et al. 2020. PubMed ID: 32403337). RNAseq studies from heart tissue indicate this exon is not commonly included in TTN mRNA transcripts (PSI of 3%-5%; Roberts A.M. et al. 2015. PMID: 25589632). TTN truncating variants are reported in 1-2% of presumably healthy individuals and occur more frequently in exons with low PSI values, indicating this variant is less likely to cause autosomal dominant TTN-related disorders (Roberts A.M. et al. 2015. PMID: 25589632; Herman D.S. et al. 2012. PMID: 22335739). This variant is found in an exon specific to the TTN metatranscript and is not included in the skeletal muscle isoform (NM_133378.4); however, many other protein truncating variants in metatranscript-only exons have been recently observed in severe recessive congenital titinopathies (Bryen et al. 2020. PubMed ID: 31660661; Oates et al. 2018. PubMed ID: 29691892; Chervinsky et al. 2018. PubMed ID: 29575618). This variant is reported in 0.0029% of alleles in individuals of Latino descent in gnomAD. Taken together, we classify the c.38737G>T (p.Glu12913*) variant as likely pathogenic for autosomal recessive titinopathies and as uncertain for autosomal dominant TTN-related disorders.

Literature cited by the submitters: PubMed 40443119 (cited by Dasa); PubMed 39684706 (cited by Dasa and Ambry Genetics); PubMed 39198997 (cited by Dasa and Ambry Genetics); PubMed 35628876 (cited by Ambry Genetics); PubMed 38843839 (cited by Ambry Genetics).